The following is an entry in ClinVar:

ClinVar aggregate classification (germline): Uncertain significance (1 of 4 stars; one submission).

Allele frequency attached by ClinVar (database versions not stated): TOPMed below 0.00001; gnomAD exomes 0.00001.
gnomAD v4.1: 12 of 1,614,138 alleles (0.00074%); highest among the groups gnomAD compares: Non-Finnish European, 0.001%; no homozygotes.

Submission:

Labcorp Genetics (formerly Invitae), Labcorp
Classification: Uncertain significance. Last evaluated: 2023-01-13. Review status: criteria provided, single submitter. Criteria: Invitae Variant Classification Sherloc (09022015). Collection method: clinical testing. Allele origin: germline.
Comment: This sequence change replaces leucine, which is neutral and non-polar, with arginine, which is basic and polar, at codon 883 of the CDK5RAP2 protein (p.Leu883Arg). This variant is present in population databases (no rsID available, gnomAD 0.0009%). In summary, the available evidence is currently insufficient to determine the role of this variant in disease. Therefore, it has been classified as a Variant of Uncertain Significance. Algorithms developed to predict the effect of missense changes on protein structure and function output the following: SIFT: "Tolerated"; PolyPhen-2: "Possibly Damaging"; Align-GVGD: "Class C0". The arginine amino acid residue is found in multiple mammalian species, which suggests that this missense change does not adversely affect protein function. This variant has not been reported in the literature in individuals affected with CDK5RAP2-related conditions.

NM_018249.6(CDK5RAP2):c.2648T>G (p.Leu883Arg)

Gene: CDK5RAP2 (CDK5 regulatory subunit associated protein 2; minus strand). Cytogenetic location: 9q33.2.
Variant type: single nucleotide variant.
Coding change: c.2648T>G on transcript NM_018249.6 (MANE Select); coding-DNA position 2648, T replaced by G.
Protein change: p.Leu883Arg; replaces leucine 883 with arginine.
Molecular consequence: missense variant. On other transcripts: non-coding transcript variant (5), intron variant (1).
Genome position (GRCh38, 1-based): chr9:120,453,601, A>C on the plus strand (T>G on the coding strand, the complement: CDK5RAP2 is on the minus strand). VCF-style: chr9-120453601-A-C. GRCh37 (hg19) VCF-style: chr9-123215879-A-C.
Other names: c.2648T>G, p.Leu883Arg (NM_001011649.3); c.2549T>G, p.Leu850Arg (NM_001410992.1); c.2552T>G, p.Leu851Arg (NM_001410993.1); c.2645T>G, p.Leu882Arg (NM_001410994.1); c.2104-5475T>G (NM_001272039.2); short protein forms L851R, L883R, L850R, L882R.
Identifiers: ClinVar variation 3015600 (VCV003015600.3), dbSNP rs1182136448, ClinGen allele CA374698976.